The following is an entry in ClinVar:

ClinVar aggregate classification (germline): Uncertain significance (1 of 4 stars; one submission).

Conditions:
DICER1-related tumor predisposition. Also called: DICER1-related pleuropulmonary blastoma cancer predisposition syndrome; DICER1 syndrome. Identifiers: Orphanet 284343, MedGen C3839822, MONDO:0100216.

Submission:

Labcorp Genetics (formerly Invitae), Labcorp
Classification: Uncertain significance for DICER1-related tumor predisposition. Last evaluated: 2025-04-27. Review status: criteria provided, single submitter. Criteria: Invitae Variant Classification Sherloc (09022015). Collection method: clinical testing. Allele origin: germline.
Comment: This sequence change replaces glutamine, which is neutral and polar, with arginine, which is basic and polar, at codon 1774 of the DICER1 protein (p.Gln1774Arg). This variant is not present in population databases (gnomAD no frequency). This variant has not been reported in the literature in individuals affected with DICER1-related conditions. ClinVar contains an entry for this variant (Variation ID: 3711837). Invitae Evidence Modeling of protein sequence and biophysical properties (such as structural, functional, and spatial information, amino acid conservation, physicochemical variation, residue mobility, and thermodynamic stability) indicates that this missense variant is not expected to disrupt DICER1 protein function with a negative predictive value of 95%. In summary, the available evidence is currently insufficient to determine the role of this variant in disease. Therefore, it has been classified as a Variant of Uncertain Significance.

NM_177438.3(DICER1):c.5321A>G (p.Gln1774Arg)

Gene: DICER1 (dicer 1, ribonuclease III; minus strand). Cytogenetic location: 14q32.13.
Variant type: single nucleotide variant.
Coding change: c.5321A>G on transcript NM_177438.3 (MANE Select); coding-DNA position 5321, A replaced by G.
Protein change: p.Gln1774Arg; replaces glutamine 1774 with arginine.
Molecular consequence: missense variant. On other transcripts: non-coding transcript variant (6).
Genome position (GRCh38, 1-based): chr14:95,093,931, T>C on the plus strand (A>G on the coding strand, the complement: DICER1 is on the minus strand). VCF-style: chr14-95093931-T-C. GRCh37 (hg19) VCF-style: chr14-95560268-T-C.
Other names: c.5321A>G, p.Gln1774Arg (NM_001195573.1, NM_001271282.3, NM_001291628.2 and 8 more transcripts); c.5039A>G, p.Gln1680Arg (NM_001395686.1); c.4916A>G, p.Gln1639Arg (NM_001395687.1, NM_001395688.1, NM_001395689.1 and 1 more transcripts); c.4754A>G, p.Gln1585Arg (NM_001395691.1); c.3638A>G, p.Gln1213Arg (NM_001395697.1); short protein forms Q1213R, Q1639R, Q1680R, Q1774R, Q1585R.
Identifiers: ClinVar variation 3711837 (VCV003711837.2).
Genomic context (GRCh38, chr14:95,093,931, plus strand): 5'-TTTTGAACAGCACTAACCTCAGAATCCATTCCTTGCATTTCATTCTTCTCAAGCTGAAAC[T>C]GCACAAAGTCATCAATGACATGGAAGAGCTCAGGAGAGACAGCTTTGAAGTACTTGTGGT-3'
Protein context (NP_803187.1, residues 1764-1784): ELFHVIDDFV[Gln1774Arg]FQLEKNEMQG